The following is an entry in ClinVar:

NM_015040.4(PIKFYVE):c.*1262T>G

Gene: PIKFYVE (phosphoinositide kinase, FYVE-type zinc finger containing; plus strand). Cytogenetic location: 2q34.
Variant type: single nucleotide variant.
Coding change: c.*1262T>G on transcript NM_015040.4 (MANE Select); 1262 bases downstream of the stop codon, T replaced by G.
Molecular consequence: 3 prime UTR variant.
Genome position (GRCh38, 1-based): chr2:208,356,567, T>G. VCF-style: chr2-208356567-T-G. GRCh37 (hg19) VCF-style: chr2-209221291-T-G.
Identifiers: ClinVar variation 333956 (VCV000333956.6), dbSNP rs6725527, ClinGen allele CA10612261.

ClinVar aggregate classification (germline): Benign. Review status: criteria provided, multiple submitters, no conflicts (2 of 4 stars). 2 submissions from 2 submitters: Benign (2). Last evaluated 2018-01-13.

Conditions:
Fleck corneal dystrophy (CFD). Also called: CORNEAL DYSTROPHY, FRANCOIS-NEETENS SPECKLED OR FLECKED. Identifiers: Orphanet 98970, MedGen C1562113, MONDO:0007376, OMIM 121850.

Allele frequency attached by ClinVar (database versions not stated): 1000 Genomes Project 0.07109; 1000 Genomes Project 30x 0.07339; gnomAD exomes 0.07883; TOPMed 0.09832; gnomAD 0.09958 and 0.10055.
gnomAD v4.1: 15,110 of 152,700 alleles (9.9%); highest among the groups gnomAD compares: Non-Finnish European, 12%; 832 homozygotes.

Submissions (2):

Illumina Laboratory Services, Illumina
Classification: Benign for Fleck corneal dystrophy. Last evaluated: 2018-01-13. Review status: criteria provided, single submitter. Criteria: ICSL Variant Classification Criteria 13 December 2019. Collection method: clinical testing. Allele origin: germline.
Comment: This variant was observed in the ICSL laboratory as part of a predisposition screen in an ostensibly healthy population. It had not been previously curated by ICSL or reported in the Human Gene Mutation Database (HGMD: prior to June 1st, 2018), and was therefore a candidate for classification through an automated scoring system. Utilizing variant allele frequency, disease prevalence and penetrance estimates, and inheritance mode, an automated score was calculated to assess if this variant is too frequent to cause the disease. Based on the score and internal cut-off values, a variant classified as benign is not then subjected to further curation. The score for this variant resulted in a classification of benign for this disease.

Breakthrough Genomics
Classification: Benign. Review status: criteria provided, single submitter. Criteria: ACMG Guidelines, 2015. Collection method: not provided. Allele origin: germline. Inheritance: Autosomal dominant inheritance. Affected: yes.